The following is an entry in ClinVar:

NM_001042545.2(LTBP4):c.4366+1G>A

Gene: LTBP4 (latent transforming growth factor beta binding protein 4; plus strand). Cytogenetic location: 19q13.2.
Variant type: single nucleotide variant.
Coding change: c.4366+1G>A on transcript NM_001042545.2 (MANE Select); the canonical splice donor site of the intron after coding-DNA position 4366, G replaced by A.
Molecular consequence: splice donor variant.
Genome position (GRCh38, 1-based): chr19:40,627,356, G>A. VCF-style: chr19-40627356-G-A. GRCh37 (hg19) VCF-style: chr19-41133261-G-A.
Other names: c.4456+1G>A (NM_003573.2); c.4567+1G>A (NM_001042544.1).
Identifiers: ClinVar variation 4719398 (VCV004719398.1).

ClinVar aggregate classification (germline): Likely pathogenic (1 of 4 stars; one submission).

Submission:

Labcorp Genetics (formerly Invitae), Labcorp
Classification: Likely pathogenic. Last evaluated: 2025-05-11. Review status: criteria provided, single submitter. Criteria: Invitae Variant Classification Sherloc (09022015). Collection method: clinical testing. Allele origin: germline.
Comment: This sequence change affects a donor splice site in intron 31 of the LTBP4 gene. It is expected to disrupt RNA splicing. Variants that disrupt the donor or acceptor splice site typically lead to a loss of protein function (PMID: 16199547), and loss-of-function variants in LTBP4 are known to be pathogenic (PMID: 19836010, 22829427). This variant is not present in population databases (gnomAD no frequency). This variant has not been reported in the literature in individuals affected with LTBP4-related conditions. Algorithms developed to predict the effect of sequence changes on RNA splicing suggest that this variant may disrupt the consensus splice site. In summary, the currently available evidence indicates that the variant is pathogenic, but additional data are needed to prove that conclusively. Therefore, this variant has been classified as Likely Pathogenic.

Literature cited by the submitters: PubMed 16199547; PubMed 19836010; PubMed 22829427.